The following is an entry in ClinVar:

NM_004369.4(COL6A3):c.7969G>C (p.Ala2657Pro)

Gene: COL6A3 (collagen type VI alpha 3 chain; minus strand). Cytogenetic location: 2q37.3.
Variant type: single nucleotide variant.
Coding change: c.7969G>C on transcript NM_004369.4 (MANE Select); coding-DNA position 7969, G replaced by C.
Protein change: p.Ala2657Pro; replaces alanine 2657 with proline.
Molecular consequence: missense variant.
Genome position (GRCh38, 1-based): chr2:237,340,947, C>G on the plus strand (G>C on the coding strand, the complement: COL6A3 is on the minus strand). VCF-style: chr2-237340947-C-G. GRCh37 (hg19) VCF-style: chr2-238249590-C-G.
Other names: c.6148G>C, p.Ala2050Pro (NM_057166.5); c.7351G>C, p.Ala2451Pro (NM_057167.4); short protein forms A2050P, A2451P, A2657P.
Identifiers: ClinVar variation 1388332 (VCV001388332.6), dbSNP rs1192265506, ClinGen allele CA351197054.

ClinVar aggregate classification (germline): Uncertain significance (1 of 4 stars; one submission).

Conditions:
Bethlem myopathy 1A. Also called: Bethlem myopathy 1; Bethlem Muscular Dystrophy; MYOPATHY, BENIGN CONGENITAL, WITH CONTRACTURES. Identifiers: Orphanet 610, MedGen CN029274, MONDO:0024530, OMIM 158810.

Allele frequency attached by ClinVar (database versions not stated): TOPMed 0.00001.

Submission:

Labcorp Genetics (formerly Invitae), Labcorp
Classification: Uncertain significance for Bethlem myopathy 1A. Last evaluated: 2021-10-21. Review status: criteria provided, single submitter. Criteria: Invitae Variant Classification Sherloc (09022015). Collection method: clinical testing. Allele origin: germline.
Comment: This sequence change replaces alanine, which is neutral and non-polar, with proline, which is neutral and non-polar, at codon 2657 of the COL6A3 protein (p.Ala2657Pro). In summary, the available evidence is currently insufficient to determine the role of this variant in disease. Therefore, it has been classified as a Variant of Uncertain Significance. Advanced modeling of protein sequence and biophysical properties (such as structural, functional, and spatial information, amino acid conservation, physicochemical variation, residue mobility, and thermodynamic stability) performed at Invitae indicates that this missense variant is not expected to disrupt COL6A3 protein function. This variant has not been reported in the literature in individuals affected with COL6A3-related conditions. This variant is present in population databases (no rsID available, gnomAD 0.0009%).